The following is an entry in ClinVar:

NM_003000.3(SDHB):c.526G>C (p.Glu176Gln)

Gene: SDHB (succinate dehydrogenase complex iron sulfur subunit B; minus strand). Cytogenetic location: 1p36.13.
Variant type: single nucleotide variant.
Coding change: c.526G>C on transcript NM_003000.3 (MANE Select); coding-DNA position 526, G replaced by C.
Protein change: p.Glu176Gln; replaces glutamic acid 176 with glutamine.
Molecular consequence: missense variant.
Genome position (GRCh38, 1-based): chr1:17,027,763, C>G on the plus strand (G>C on the coding strand, the complement: SDHB is on the minus strand). VCF-style: chr1-17027763-C-G. GRCh37 (hg19) VCF-style: chr1-17354258-C-G.
Other names: c.472G>C, p.Glu158Gln (NM_001407361.1); short protein forms E176Q, E158Q.
Identifiers: ClinVar variation 5029276 (VCV005029276.1).
Genomic context (GRCh38, chr1:17,027,763, plus strand): 5'-TTGCAATAAATTCTTCAGATTGAAACAATAAATAGGGACTAATGACCAGTTTCTCACGCT[C>G]TTCTATGGACTGCAGATACTGCTGCTTGCCTTCCTGAGATTCATCCTTCTTCTTCAAATA-3'
Protein context (NP_002991.2, residues 166-186): GKQQYLQSIE[Glu176Gln]REKLDGLYEC

ClinVar aggregate classification (germline): Uncertain significance (1 of 4 stars; one submission).

Conditions:
Hereditary cancer-predisposing syndrome. Also called: Neoplastic Syndromes, Hereditary; Tumor predisposition; Hereditary neoplastic syndrome; Hereditary Cancer Syndrome. Identifiers: Orphanet 140162, MedGen C0027672, MeSH D009386, MONDO:0015356.

Submission:

Ambry Genetics
Classification: Uncertain significance for Hereditary cancer-predisposing syndrome. Last evaluated: 2026-07-07. Review status: criteria provided, single submitter. Criteria: Ambry Variant Classification Scheme 2023. Collection method: clinical testing. Allele origin: germline.
Comment: The p.E176Q variant (also known as c.526G>C), located in coding exon 5 of the SDHB gene, results from a G to C substitution at nucleotide position 526. The glutamic acid at codon 176 is replaced by glutamine, an amino acid with highly similar properties. This amino acid position is conserved. In addition, the in silico prediction for this alteration is inconclusive. Based on the available evidence, the clinical significance of this variant remains unclear.